The following is an entry in ClinVar:

NM_005859.5(PURA):c.34G>T (p.Gly12Cys)

Gene: PURA (purine rich element binding protein A; plus strand). Cytogenetic location: 5q31.3.
Variant type: single nucleotide variant.
Coding change: c.34G>T on transcript NM_005859.5 (MANE Select); coding-DNA position 34, G replaced by T.
Protein change: p.Gly12Cys; replaces glycine 12 with cysteine.
Molecular consequence: missense variant.
Genome position (GRCh38, 1-based): chr5:140,114,215, G>T. VCF-style: chr5-140114215-G-T. GRCh37 (hg19) VCF-style: chr5-139493800-G-T.
Other names: short protein forms G12C.
Identifiers: ClinVar variation 1315424 (VCV001315424.6), dbSNP rs2126748529, ClinGen allele CA361489080.

ClinVar aggregate classification (germline): Uncertain significance. Review status: criteria provided, multiple submitters, no conflicts (2 of 4 stars). 2 submissions from 2 submitters: Uncertain significance (2). Last evaluated 2022-07-06.

Conditions:
PURA-related severe neonatal hypotonia-seizures-encephalopathy syndrome (NEDRIHF). Also called: PURA-Related Neurodevelopmental Disorders; NEURODEVELOPMENTAL DISORDER WITH NEONATAL RESPIRATORY INSUFFICIENCY, HYPOTONIA, AND FEEDING DIFFICULTIES. Identifiers: Orphanet 438213, Orphanet 438216, MedGen C4015357, MONDO:1060108, OMIM 616158, MONDO:0018580.

Submissions (2):

Labcorp Genetics (formerly Invitae), Labcorp
Classification: Uncertain significance for PURA-related severe neonatal hypotonia-seizures-encephalopathy syndrome. Last evaluated: 2022-07-06. Review status: criteria provided, single submitter. Criteria: Invitae Variant Classification Sherloc (09022015). Collection method: clinical testing. Allele origin: germline.
Comment: In summary, the available evidence is currently insufficient to determine the role of this variant in disease. Therefore, it has been classified as a Variant of Uncertain Significance. Algorithms developed to predict the effect of missense changes on protein structure and function are either unavailable or do not agree on the potential impact of this missense change (SIFT: "Deleterious"; PolyPhen-2: "Not Available"; Align-GVGD: "Class C0"). ClinVar contains an entry for this variant (Variation ID: 1315424). This variant has not been reported in the literature in individuals affected with PURA-related conditions. The frequency data for this variant in the population databases is considered unreliable, as metrics indicate insufficient coverage at this position in the gnomAD database. This sequence change replaces glycine, which is neutral and non-polar, with cysteine, which is neutral and slightly polar, at codon 12 of the PURA protein (p.Gly12Cys).

GeneDx
Classification: Uncertain significance. Last evaluated: 2020-03-19. Review status: criteria provided, single submitter. Criteria: GeneDx Variant Classification Process June 2021. Collection method: clinical testing. Allele origin: germline. Affected: yes.
Comment: Not observed in large population cohorts (Lek et al., 2016); In silico analysis supports that this missense variant does not alter protein structure/function; Has not been previously published as pathogenic or benign to our knowledge